The following is an entry in ClinVar:

NM_002485.5(NBN):c.2165G>C (p.Trp722Ser)

Gene: NBN (nibrin; minus strand). Cytogenetic location: 8q21.3.
Variant type: single nucleotide variant.
Coding change: c.2165G>C on transcript NM_002485.5 (MANE Select); coding-DNA position 2165, G replaced by C.
Protein change: p.Trp722Ser; replaces tryptophan 722 with serine.
Molecular consequence: missense variant.
Genome position (GRCh38, 1-based): chr8:89,943,272, C>G on the plus strand (G>C on the coding strand, the complement: NBN is on the minus strand). VCF-style: chr8-89943272-C-G. GRCh37 (hg19) VCF-style: chr8-90955500-C-G.
Other names: c.1919G>C, p.Trp640Ser (NM_001024688.3); short protein forms W722S, W640S.
Identifiers: ClinVar variation 650429 (VCV000650429.24), dbSNP rs786204181, ClinGen allele CA371675340.
Genomic context (GRCh38, chr8:89,943,272, plus strand): 5'-GTGCAATTTAAGCAAGTTTCTGGGCCTCACTTCCTACTAACCTCCATTTCCTGCCTTAGC[C>G]ACTCTTCTAGTTCTGTATTCTTTCGAGCATGATGAGCTATTAGATCTGATCCTCCAATGA-3'
Protein context (NP_002476.2, residues 712-732): HARKNTELEE[Trp722Ser]LRQEMEVQNQ

ClinVar aggregate classification (germline): Uncertain significance. Review status: criteria provided, multiple submitters, no conflicts (2 of 4 stars). 5 submissions from 5 submitters: Uncertain significance (4). 1 of the submissions does not count toward it. Last evaluated 2024-04-16.

Conditions:
Hereditary cancer-predisposing syndrome. Also called: Hereditary Cancer Syndrome; Tumor predisposition; Neoplastic Syndromes, Hereditary; Hereditary neoplastic syndrome. Identifiers: Orphanet 140162, MedGen C0027672, MeSH D009386, MONDO:0015356.
Microcephaly, normal intelligence and immunodeficiency (NBS). Also called: BERLIN BREAKAGE SYNDROME; Nijmegen breakage syndrome; Microcephaly with normal intelligence immunodeficiency and lymphoreticular malignancies; Nonsyndromal microcephaly autosomal recessive with normal intelligence; Seemanova syndrome 2; SEEMANOVA SYNDROME II. Identifiers: Orphanet 647, MedGen C0398791, MONDO:0009623, OMIM 251260.

Allele frequency attached by ClinVar (database versions not stated): gnomAD 0.00001; gnomAD exomes 0.00001.
gnomAD v4.1: 17 of 1,613,540 alleles (0.0011%); highest among the groups gnomAD compares: Non-Finnish European, 0.0014%; no homozygotes.

Submissions (5):

Labcorp Genetics (formerly Invitae), Labcorp
Classification: Uncertain significance for Microcephaly, normal intelligence and immunodeficiency. Last evaluated: 2024-04-16. Review status: criteria provided, single submitter. Criteria: Invitae Variant Classification Sherloc (09022015). Collection method: clinical testing. Allele origin: germline.
Comment: This sequence change replaces tryptophan, which is neutral and slightly polar, with serine, which is neutral and polar, at codon 722 of the NBN protein (p.Trp722Ser). This variant is present in population databases (no rsID available, gnomAD 0.0009%). This missense change has been observed in individual(s) with ovarian cancer (PMID: 26315354). ClinVar contains an entry for this variant (Variation ID: 650429). An algorithm developed to predict the effect of missense changes on protein structure and function (PolyPhen-2) suggests that this variant is likely to be disruptive. In summary, the available evidence is currently insufficient to determine the role of this variant in disease. Therefore, it has been classified as a Variant of Uncertain Significance.

Ambry Genetics
Classification: Uncertain significance for Hereditary cancer-predisposing syndrome. Last evaluated: 2022-11-08. Review status: criteria provided, single submitter. Criteria: Ambry Variant Classification Scheme 2023. Collection method: clinical testing. Allele origin: germline.
Comment: The p.W722S variant (also known as c.2165G>C), located in coding exon 14 of the NBN gene, results from a G to C substitution at nucleotide position 2165. The tryptophan at codon 722 is replaced by serine, an amino acid with highly dissimilar properties. In one study, this alteration was observed in 1/3236 cases with invasive epithelial ovarian cancer and 0/3431 controls (Ramus SJ et al. J. Natl. Cancer Inst., 2015 Nov;107:). This alteration was also identified in 1/1358 non-cancer control individuals and in 0/57 cases, in a study looking at cancer predisposition mutations in patients with cutaneous melanoma and a history of at least two additional non-cutaneous melanoma primary cancers. (Pritchard AL et al. PLoS ONE, 2018 Apr;13:e0194098). This amino acid position is highly conserved in available vertebrate species. In addition, the in silico prediction for this alteration is inconclusive. Since supporting evidence is limited at this time, the clinical significance of this alteration remains unclear.

GeneDx
Classification: Uncertain significance. Last evaluated: 2022-09-29. Review status: criteria provided, single submitter. Criteria: GeneDx Variant Classification Process June 2021. Collection method: clinical testing. Allele origin: germline. Affected: yes.
Comment: Not observed at significant frequency in large population cohorts (gnomAD); In silico analysis supports that this missense variant has a deleterious effect on protein structure/function; Observed in an individual with ovarian cancer (Ramus et al., 2015); This variant is associated with the following publications: (PMID: 29641532, 26315354)

Genome-Nilou Lab
Classification: Uncertain significance for Microcephaly, normal intelligence and immunodeficiency. Last evaluated: 2021-11-07. Review status: criteria provided, single submitter. Criteria: ACMG Guidelines, 2015. Collection method: clinical testing. Allele origin: germline. Affected: no.

Natera, Inc.
Classification: Uncertain significance for Nijmegen breakage syndrome. Last evaluated: 2020-01-29. Review status: no assertion criteria provided. Collection method: clinical testing. Allele origin: germline. Not counted in ClinVar's aggregate classification.

Literature cited by the submitters: PubMed 26315354 (cited by Labcorp Genetics (formerly Invitae), Labcorp and Ambry Genetics); PubMed 29641532 (cited by Ambry Genetics).